The following is an entry in ClinVar:

ClinVar aggregate classification (germline): Uncertain significance (1 of 4 stars; one submission).

Conditions:
Familial thoracic aortic aneurysm and aortic dissection (TAAD). Also called: Thoracic aortic aneurysms and dissections. Identifiers: Orphanet 91387, MedGen C4707243, MONDO:0019625.

Submission:

Color Diagnostics, LLC DBA Color Health
Classification: Uncertain significance for Familial thoracic aortic aneurysm and aortic dissection. Last evaluated: 2024-03-06. Review status: criteria provided, single submitter. Criteria: ACMG Guidelines, 2015. Collection method: clinical testing. Allele origin: germline.
Comment: This missense variant replaces threonine with arginine at codon 1300 of the MYH11 protein. Computational prediction is inconclusive regarding the impact of this variant on protein structure and function (internally defined REVEL score threshold 0.5 < inconclusive < 0.7, PMID: 27666373). To our knowledge, functional studies have not been reported for this variant. This variant has not been reported in individuals affected with cardiovascular disorders in the literature. This variant has not been identified in the general population by the Genome Aggregation Database (gnomAD). The available evidence is insufficient to determine the role of this variant in disease conclusively. Therefore, this variant is classified as a Variant of Uncertain Significance.

NM_002474.3(MYH11):c.3878C>G (p.Thr1293Arg)

Genes: MYH11 (myosin heavy chain 11; minus strand), NDE1 (nudE neurodevelopment protein 1; plus strand). Cytogenetic location: 16p13.11.
Variant type: single nucleotide variant.
Coding change: c.3878C>G on transcript NM_002474.3 (MANE Select); coding-DNA position 3878, C replaced by G.
Protein change: p.Thr1293Arg; replaces threonine 1293 with arginine.
Molecular consequence: missense variant. On other transcripts: 3 prime UTR variant (2).
Genome position (GRCh38, 1-based): chr16:15,724,973, G>C on the plus strand (C>G on the coding strand, the complement: MYH11 is on the minus strand). VCF-style: chr16-15724973-G-C. GRCh37 (hg19) VCF-style: chr16-15818830-G-C.
Other names: c.3899C>G, p.Thr1300Arg (NM_001040113.2, NM_001040114.2); c.3878C>G, p.Thr1293Arg (NM_022844.3); c.*722G>C (NM_001143979.2, NM_017668.3); short protein forms T1293R, T1300R.
Identifiers: ClinVar variation 1171692 (VCV001171692.3), dbSNP rs2151219964, ClinGen allele CA394859230.